The following is an entry in ClinVar:

NM_000264.5(PTCH1):c.689C>T (p.Thr230Ile)

Gene: PTCH1 (patched 1; minus strand). Cytogenetic location: 9q22.32.
Variant type: single nucleotide variant.
Coding change: c.689C>T on transcript NM_000264.5 (MANE Select); coding-DNA position 689, C replaced by T.
Protein change: p.Thr230Ile; replaces threonine 230 with isoleucine.
Molecular consequence: missense variant. On other transcripts: non-coding transcript variant (1).
Genome position (GRCh38, 1-based): chr9:95,482,006, G>A on the plus strand (C>T on the coding strand, the complement: PTCH1 is on the minus strand). VCF-style: chr9-95482006-G-A. GRCh37 (hg19) VCF-style: chr9-98244288-G-A.
Other names: c.491C>T, p.Thr164Ile (NM_001083602.3, NM_001354919.2); c.686C>T, p.Thr229Ile (NM_001083603.3); c.236C>T, p.Thr79Ile (NM_001083604.3, NM_001083605.3, NM_001083606.3 and 1 more transcripts); c.689C>T, p.Thr230Ile (NM_001354918.2); short protein forms T164I, T230I, T229I, T79I.
Identifiers: ClinVar variation 524591 (VCV000524591.15), dbSNP rs1554700630, ClinGen allele CA374114915.

ClinVar aggregate classification (germline): Conflicting classifications of pathogenicity. Review status: criteria provided, conflicting classifications (1 of 4 stars). 4 submissions from 4 submitters: Pathogenic (1); Likely pathogenic (1); Uncertain significance (2). Last evaluated 2023-11-02.

Conditions:
Gorlin syndrome. Also called: Basal cell nevus syndrome; Nevoid Basal Cell Carcinoma Syndrome. Identifiers: Orphanet 377, MedGen C0004779, MONDO:0007187.
Hereditary cancer-predisposing syndrome. Also called: Neoplastic Syndromes, Hereditary; Tumor predisposition; Hereditary neoplastic syndrome; Hereditary Cancer Syndrome. Identifiers: Orphanet 140162, MedGen C0027672, MeSH D009386, MONDO:0015356.

Submissions (4):

Ambry Genetics
Classification: Pathogenic for Hereditary cancer-predisposing syndrome. Last evaluated: 2023-11-02. Review status: criteria provided, single submitter. Criteria: Ambry Variant Classification Scheme 2023. Collection method: clinical testing. Allele origin: germline.
Comment: The p.T230I variant (also known as c.689C>T), located in coding exon 5 of the PTCH1 gene, results from a C to T substitution at nucleotide position 689. The threonine at codon 230 is replaced by isoleucine, an amino acid with similar properties. This alteration has been observed in multiple individuals who have a personal or family history that is consistent with PTCH1-associated disease (Ambry internal data). Based on internal structural analysis, the threonine at codon 230 is an important phosphorylation site for protein-protein interactions (Ambry internal structural data; Foord R et al. Nat. Struct. Biol. 1999 Feb;6:157-65; Arnfors L et al. Acta Crystallogr. D Biol. Crystallogr. 2006 Sep;62:1085-97; Cuneo MJ et al. BMC Struct. Biol. 2008 Mar;8:20). In line with the importance of this amino acid residue, two other alterations at this position have been observed in Gorlin Syndrome patients, including in a de novo case: p.T230P and p.T230R (Savino M et al. Hum. Mutat., 2004 Nov;24:441; Reinders MG et al. Mol Genet Genomic Med, 2018 05;6:409-415). This amino acid position is highly conserved in available vertebrate species. This variant is considered to be rare based on population cohorts in the Genome Aggregation Database (gnomAD). In addition, this alteration is predicted to be deleterious by in silico analysis. Based on the majority of available evidence to date, this alteration is interpreted as a disease-causing mutation.

Institute of Medical Genetics and Applied Genomics, University Hospital Tübingen
Classification: Likely pathogenic for Gorlin syndrome. Last evaluated: 2023-09-08. Review status: criteria provided, single submitter. Criteria: ACMG Guidelines, 2015. Collection method: clinical testing. Allele origin: germline. Inheritance: Autosomal dominant inheritance. Affected: yes.

GeneDx
Classification: Uncertain significance. Last evaluated: 2022-05-31. Review status: criteria provided, single submitter. Criteria: GeneDx Variant Classification Process June 2021. Collection method: clinical testing. Allele origin: germline. Affected: yes.
Comment: Not observed at significant frequency in large population cohorts (gnomAD); In silico analysis supports that this missense variant has a deleterious effect on protein structure/function; Has not been previously published as pathogenic or benign to our knowledge

Labcorp Genetics (formerly Invitae), Labcorp
Classification: Uncertain significance for Gorlin syndrome. Last evaluated: 2017-12-09. Review status: criteria provided, single submitter. Criteria: Invitae Variant Classification Sherloc (09022015). Collection method: clinical testing. Allele origin: germline.
Comment: A different missense substitution at this codon (p.Thr230Pro) has been reported as de novo in an individual affected with Gorlin syndrome (PMID: 15459969) and is therefore considered to be pathogenic. This suggests that the threonine residue is critical for PTCH1 protein function and that other missense substitutions at this position may also be pathogenic. In summary, the available evidence is currently insufficient to determine the role of this variant in disease. Therefore, it has been classified as a Variant of Uncertain Significance. Algorithms developed to predict the effect of missense changes on protein structure and function do not agree on the potential impact of this missense change (SIFT: "Deleterious"; PolyPhen-2: "Probably Damaging"; Align-GVGD: "Class C15"). This variant has been reported in an individual with suspected Gorlin syndrome in the Leiden Open-source Variation Database (PMID: 21520333). This variant is not present in population databases (ExAC no frequency). This sequence change replaces threonine with isoleucine at codon 230 of the PTCH1 protein (p.Thr230Ile). The threonine residue is highly conserved and there is a moderate physicochemical difference between threonine and isoleucine.

Literature cited by the submitters: PubMed 10048928 (cited by Ambry Genetics); PubMed 15459969 (cited by Ambry Genetics and Labcorp Genetics (formerly Invitae), Labcorp); PubMed 16929110 (cited by Ambry Genetics); PubMed 18373848 (cited by Ambry Genetics); PubMed 29575684 (cited by Ambry Genetics); PubMed 21520333 (cited by Labcorp Genetics (formerly Invitae), Labcorp).